The following is an entry in ClinVar:

NM_000238.4(KCNH2):c.1744C>T (p.Arg582Cys)

Gene: KCNH2 (potassium voltage-gated channel subfamily H member 2; minus strand). Cytogenetic location: 7q36.1.
Variant type: single nucleotide variant.
Coding change: c.1744C>T on transcript NM_000238.4 (MANE Select); coding-DNA position 1744, C replaced by T.
Protein change: p.Arg582Cys; replaces arginine 582 with cysteine.
Molecular consequence: missense variant.
Genome position (GRCh38, 1-based): chr7:150,951,649, G>A on the plus strand (C>T on the coding strand, the complement: KCNH2 is on the minus strand). VCF-style: chr7-150951649-G-A. GRCh37 (hg19) VCF-style: chr7-150648737-G-A.
Other names: p.R582C:CGC>TGC; c.1744C>T (LRG_288t1); c.724C>T, p.Arg242Cys (NM_001204798.2, NM_172057.3); c.1456C>T, p.Arg486Cys (NM_001406753.1, NM_001406756.1); c.1567C>T, p.Arg523Cys (NM_001406755.1); c.1444C>T, p.Arg482Cys (NM_001406757.1); c.1744C>T, p.Arg582Cys (NM_172056.3); short protein forms R582C, R242C, R523C, R486C, R482C.
Identifiers: ClinVar variation 14428 (VCV000014428.23), dbSNP rs121912508, ClinGen allele CA005345.

ClinVar aggregate classification (germline): Pathogenic/Likely pathogenic. Review status: criteria provided, multiple submitters, no conflicts (2 of 4 stars). 11 submissions from 11 submitters: Pathogenic (4); Likely pathogenic (3). 4 of the submissions do not count toward it. Last evaluated 2026-10-01.

Conditions:
Cardiovascular phenotype. Identifiers: MedGen CN230736.
Cardiac arrhythmia. Also called: Arrhythmia; Cardiac rhythm disease. Identifiers: MedGen C0003811, MONDO:0007263, HP:0011675.
Familial long QT syndrome (RWS). Also called: Romano-Ward syndrome; Congenital long QT syndrome; VENTRICULAR FIBRILLATION WITH PROLONGED QT INTERVAL. Identifiers: Orphanet 768, MedGen C1141890, MONDO:0019171.
Long QT syndrome (LQTS). Identifiers: MedGen C0023976, MeSH D008133, MONDO:0002442. Disease mechanism: loss of function. Inheritance: Various modes of inheritance.
Long QT syndrome 2 (LQT2). Identifiers: Orphanet 101016, Orphanet 768, MedGen C3150943, MONDO:0013367, OMIM 613688.

Allele frequency attached by ClinVar (database versions not stated): gnomAD exomes below 0.00001.
gnomAD v4.1: 2 of 1,614,244 alleles (0.00012%); highest among the groups gnomAD compares: Non-Finnish European, 0.00017%; no homozygotes.

Submissions (11):

GeneDx
Classification: Likely pathogenic. Last evaluated: 2026-10-01. Review status: criteria provided, single submitter. Criteria: GeneDx Variant Classification Process June 2021. Collection method: clinical testing. Allele origin: germline.
Comment: Identified in patients with Long QT syndrome referred for genetic testing at GeneDx and in published literature (PMID: 9973011, 10220144, 15840476, 18441445); Reported as a potential founder mutation from the Netherlands (PMID: 21350584); Not observed at significant frequency in large population cohorts (gnomAD); In silico analysis supports that this missense variant has a deleterious effect on protein structure/function; Published functional studies demonstrate a damaging effect as this variant results in impaired protein trafficking and channel inactivation (PMID: 21376840); This variant is associated with the following publications: (PMID: 10220144, 15840476, 19716085, 17088455, 9973011, 19038855, 12566525, 18441445, 17293393, 22949429, 34319147, 32686758, 33087929, 36861347, 31440721, 21350584, 21376840, 12877697, 39073097, 40246029, 26743238, 10973849, 11222472, 19841300, 29654130)

Labcorp Genetics (formerly Invitae), Labcorp
Classification: Pathogenic for Long QT syndrome. Last evaluated: 2025-12-24. Review status: criteria provided, single submitter. Criteria: Invitae Variant Classification Sherloc (09022015). Collection method: clinical testing. Allele origin: germline.
Comment: This sequence change replaces arginine, which is basic and polar, with cysteine, which is neutral and slightly polar, at codon 582 of the KCNH2 protein (p.Arg582Cys). This variant is not present in population databases (gnomAD no frequency). This missense change has been observed in individuals with LQTS plus a seizure phenotype and Long QT syndrome (LQTS) (PMID: 10220144, 12566525, 18441445, 19038855, 21350584, 22949429). It has also been observed to segregate with disease in related individuals. ClinVar contains an entry for this variant (Variation ID: 14428). An algorithm developed to predict the effect of missense changes on protein structure and function (PolyPhen-2) suggests that this variant is likely to be disruptive. Experimental studies have shown that this missense change affects KCNH2 function (PMID: 21376840). For these reasons, this variant has been classified as Pathogenic.

Variantyx, Inc.
Classification: Likely pathogenic for Long QT syndrome 2. Last evaluated: 2025-09-03. Review status: criteria provided, single submitter. Criteria: Variantyx Assertion Criteria 2022. Collection method: clinical testing. Allele origin: germline. Inheritance: Autosomal recessive inheritance. Affected: yes.
Comment: This is a nonsynonymous variant in the KCNH2 gene (OMIM: 152427). Pathogenic variants in this gene have been associated with autosomal dominant long QT syndrome 2. This variant has been reported in multiple unrelated individuals with long QT syndrome (PMID: 18441445, 10220144, 36861347) (PS4_Moderate) and has been observed to segregate with disease in individuals from at least two families (PMID: 10220144, 36861347) (PP1). Alternate amino acid changes at this position have been previously reported in similarly affected individuals, which suggests that this residue is biologically important (PMID: 16414944, 18441445, 25417810, 21376840) (PM5). Functional studies have shown that this variant alters KCNH2 protein function (PMID: 21376840) (PS3_Moderate), and multiple computational algorithms predict a deleterious effect for this variant (REVEL score: 0.791) (PP3). This variant has a 0.0003% maximum allele frequency in non-founder control populations (PM2). Based on the current evidence, this variant is classified as likely pathogenic for autosomal dominant long QT syndrome 2.

Color Diagnostics, LLC DBA Color Health
Classification: Pathogenic for Cardiac arrhythmia. Last evaluated: 2025-06-03. Review status: criteria provided, single submitter. Criteria: ACMG Guidelines, 2015. Collection method: clinical testing. Allele origin: germline.
Comment: This missense variant replaces arginine with cysteine at codon 582 of the KCNH2 protein. This variant is located within the conserved transmembrane-spanning S5/pore (aa 569-611) of the KCNH2 protein. Rare non-truncating variants in this region have been shown to be significantly overrepresented in individuals with long QT syndrome (PMID: 32893267). Computational prediction suggests that this variant may have a deleterious impact on protein structure and function. Functional studies have shown that this variant causes altered kinetics, aberrant trafficking and altered channel expression (PMID: 17293393, 21376840). This variant has been reported in more than ten individuals affected with long QT syndrome (PMID: 9973011, 10220144, 10973849, 11222472, 12877697, 15840476, 17088455, 18441445, 19038855, 19716085, 19841300, 21350584, 26743238, 29654130, 39073097). It has been shown that this variant segregates with disease in multiple affected individuals across multiple families (PMID: 10220144, 21350584). This variant has not been identified in the general population by the Genome Aggregation Database (gnomAD). Based on the available evidence, this variant is classified as Pathogenic.

Ambry Genetics
Classification: Pathogenic for Cardiovascular phenotype. Last evaluated: 2024-01-22. Review status: criteria provided, single submitter. Criteria: Ambry Variant Classification Scheme 2023. Collection method: clinical testing. Allele origin: germline.
Comment: The c.1744C>T (p.R582C) alteration is located in exon 7 (coding exon 7) of the KCNH2 gene. This alteration results from a C to T substitution at nucleotide position 1744, causing the arginine (R) at amino acid position 582 to be replaced by a cysteine (C). This variant was not reported in population-based cohorts in the Genome Aggregation Database (gnomAD). This alteration has been detected in individuals and families reported to have long QT syndrome (LQTS), or from LQTS cohorts, and has been described as a possible founder mutation in the Netherlands (Jongbloed, 1999; Nagaoka, 2008; Johnson, 2009; Hofman, 2011). This amino acid position is not well conserved in available vertebrate species. In in vitro studies, this variant has been reported to result in abnormal protein trafficking and channel function (Fougere, 2011; Perry, 2016). This alteration is predicted to be deleterious by in silico analysis. Based on the available evidence, this alteration is classified as pathogenic.

Laboratory for Molecular Medicine, Mass General Brigham Personalized Medicine
Classification: Likely pathogenic for Familial long QT syndrome. Last evaluated: 2022-11-30. Review status: criteria provided, single submitter. Criteria: ACMG Guidelines, 2015. Collection method: clinical testing. Allele origin: germline. Inheritance: Autosomal dominant inheritance.
Comment: The p.Arg582Cys (c.1744C>T) variant in KCNH2 has been reported in 17 individuals with Long QT Syndrome (Wilde 1999 PMID: 9973011, Tester 2005 PMID: 15840476, Tan 2006 PMID: 17088455, Nemec 2003 PMID: 12877697, Nagaoka 2008 PMID: 18441445, Lupoglazoff 2001 PMID: 11222472, Kapplinger 2009 PMID: 19716085, Jongbloed 1999 PMID: 10220144, Hofman 2011 PMID: 21350584). It was absent from large population studies. This variant has also been reported in ClinVar (Variation ID 29467). Computational prediction tools and conservation analyses suggest that this variant may impact the protein, though this information is not predictive enough to determine pathogenicity. In vitro functional studies provide some evidence that this variant impacts protein trafficking and function (Tseng 2007 PMID: 17293393, Fougere 2011 PMID: 21376840); however, these types of assays may not accurately represent biological function. In summary, although additional studies are required to fully establish its clinical significance, this variant meets criteria to be classified as likely pathogenic for autosomal dominant Long QT Syndrome. ACMG/AMP Criteria applied: PS4, PM2_Supporting, PP3, PS3_Supporting.

Clinical Genetics Service, Universitary Hospital 12 de Octubre
Classification: Pathogenic for Long QT syndrome 2. Review status: criteria provided, single submitter. Criteria: ACMG Guidelines, 2015. Collection method: clinical testing. Allele origin: germline. Affected: yes.

OMIM
Classification: Pathogenic for LONG QT SYNDROME 2. Last evaluated: 1999-01-01. Review status: no assertion criteria provided. Collection method: literature only. Allele origin: germline. Not counted in ClinVar's aggregate classification.

Cardiovascular Biomedical Research Unit, Royal Brompton & Harefield NHS Foundation Trust
No classification provided. Condition: Familial long QT syndrome. Review status: no classification provided. Collection method: literature only. Allele origin: germline. Not counted in ClinVar's aggregate classification.
Comment: This variant has been reported as associated with Long QT syndrome in the following publications (PMID:10220144;PMID:11222472;PMID:12566525;PMID:12877697;PMID:15840476;PMID:19716085;PMID:19841300;PMID:21376840). This is a literature report, and does not necessarily reflect the clinical interpretation of the Imperial College / Royal Brompton Cardiovascular Genetics laboratory.

Diagnostic Laboratory, Department of Genetics, University Medical Center Groningen
Classification: Pathogenic. Review status: no assertion criteria provided. Collection method: clinical testing. Allele origin: germline. Affected: yes. Study: VKGL Data-share Consensus. Not counted in ClinVar's aggregate classification.

Joint Genome Diagnostic Labs from Nijmegen and Maastricht, Radboudumc and MUMC+
Classification: Pathogenic. Review status: no assertion criteria provided. Collection method: clinical testing. Allele origin: germline. Affected: yes. Study: VKGL Data-share Consensus. Not counted in ClinVar's aggregate classification.

Literature cited by the submitters: PubMed 10220144 (cited by 7 submitters); PubMed 12566525 (cited by 3 submitters); PubMed 18441445 (cited by 5 submitters); PubMed 19038855 (cited by 4 submitters); PubMed 21350584 (cited by 4 submitters); PubMed 22949429 (cited by Labcorp Genetics (formerly Invitae), Labcorp and Laboratory for Molecular Medicine, Mass General Brigham Personalized Medicine); PubMed 21376840 (cited by 6 submitters); PubMed 36861347 (cited by Variantyx, Inc.); PubMed 16414944 (cited by Variantyx, Inc.); PubMed 25417810 (cited by Variantyx, Inc.); PubMed 9973011 (cited by Color Diagnostics, LLC DBA Color Health and Laboratory for Molecular Medicine, Mass General Brigham Personalized Medicine); PubMed 10973849 (cited by Color Diagnostics, LLC DBA Color Health); PubMed 11222472 (cited by 3 submitters); PubMed 12877697 (cited by 3 submitters); PubMed 15840476 (cited by 3 submitters); PubMed 17088455 (cited by Color Diagnostics, LLC DBA Color Health and Laboratory for Molecular Medicine, Mass General Brigham Personalized Medicine); PubMed 17293393 (cited by Color Diagnostics, LLC DBA Color Health and Laboratory for Molecular Medicine, Mass General Brigham Personalized Medicine); PubMed 19716085 (cited by 3 submitters); PubMed 19841300 (cited by 3 submitters); PubMed 26743238 (cited by Color Diagnostics, LLC DBA Color Health); PubMed 29654130 (cited by Color Diagnostics, LLC DBA Color Health); PubMed 32893267 (cited by Color Diagnostics, LLC DBA Color Health); PubMed 39073097 (cited by Color Diagnostics, LLC DBA Color Health); PubMed 26958806 (cited by Ambry Genetics); PubMed 33087929 (cited by Laboratory for Molecular Medicine, Mass General Brigham Personalized Medicine); PubMed 34319147 (cited by Laboratory for Molecular Medicine, Mass General Brigham Personalized Medicine); PubMed 32686758 (cited by Laboratory for Molecular Medicine, Mass General Brigham Personalized Medicine); PubMed 22581653 (cited by Laboratory for Molecular Medicine, Mass General Brigham Personalized Medicine and Cardiovascular Biomedical Research Unit, Royal Brompton & Harefield NHS Foundation Trust).